The following is an entry in ClinVar:

NM_144670.6(A2ML1):c.635A>G (p.Glu212Gly)

Gene: A2ML1 (alpha-2-macroglobulin like 1; plus strand). Cytogenetic location: 12p13.31.
Variant type: single nucleotide variant.
Coding change: c.635A>G on transcript NM_144670.6 (MANE Select); coding-DNA position 635, A replaced by G.
Protein change: p.Glu212Gly; replaces glutamic acid 212 with glycine.
Molecular consequence: missense variant.
Genome position (GRCh38, 1-based): chr12:8,835,658, A>G. VCF-style: chr12-8835658-A-G. GRCh37 (hg19) VCF-style: chr12-8988254-A-G.
Other names: short protein forms E212G.
Identifiers: ClinVar variation 2093416 (VCV002093416.4), dbSNP rs2539201517, ClinGen allele CA383821570.
Genomic context (GRCh38, chr12:8,835,658, plus strand): 5'-TGCTGGGCACCTACACTGTGGCAGTGGCTGAGGGCAAGACCTTTGGTACTTTCAGTGTGG[A>G]GGAATATGGTAGGTGGGGAAATGGACAGGCCAAAGTATTGGGCATAATCTCATCTTAAAA-3'
Protein context (NP_653271.3, residues 202-222): EGKTFGTFSV[Glu212Gly]EYVLPKFKVE

ClinVar aggregate classification (germline): Uncertain significance (1 of 4 stars; one submission).

Submission:

Labcorp Genetics (formerly Invitae), Labcorp
Classification: Uncertain significance. Last evaluated: 2023-11-27. Review status: criteria provided, single submitter. Criteria: Invitae Variant Classification Sherloc (09022015). Collection method: clinical testing. Allele origin: germline.
Comment: This sequence change replaces glutamic acid, which is acidic and polar, with glycine, which is neutral and non-polar, at codon 212 of the A2ML1 protein (p.Glu212Gly). This variant is not present in population databases (gnomAD no frequency). This variant has not been reported in the literature in individuals affected with A2ML1-related conditions. ClinVar contains an entry for this variant (Variation ID: 2093416). An algorithm developed to predict the effect of missense changes on protein structure and function (PolyPhen-2) suggests that this variant is likely to be disruptive. Algorithms developed to predict the effect of sequence changes on RNA splicing suggest that this variant may disrupt the consensus splice site. In summary, the available evidence is currently insufficient to determine the role of this variant in disease. Therefore, it has been classified as a Variant of Uncertain Significance.